The following is an entry in ClinVar:

ClinVar aggregate classification (germline): Pathogenic/Likely pathogenic. Review status: criteria provided, multiple submitters, no conflicts (2 of 4 stars). 3 submissions from 3 submitters: Pathogenic (1); Likely pathogenic (1). 1 of the submissions does not count toward it. Last evaluated 2025-09-11.

Conditions:
Juvenile retinoschisis (RS1). Also called: X-Linked Juvenile Retinoschisis; X-linked retinoschisis. Identifiers: Orphanet 792, MedGen C3714753, MONDO:0010725, OMIM 312700.

Submissions (3):

Institute of Human Genetics, University of Leipzig Medical Center
Classification: Likely pathogenic for Juvenile retinoschisis. Last evaluated: 2025-09-11. Review status: criteria provided, single submitter. Criteria: ACMG Guidelines, 2015. Collection method: clinical testing. Allele origin: unknown. Inheritance: X-linked recessive inheritance. Affected: yes.
Comment: Criteria applied: PP3_MOD,PP4_MOD,PS4_SUP,PM2_SUP

Labcorp Genetics (formerly Invitae), Labcorp
Classification: Pathogenic. Last evaluated: 2021-07-27. Review status: criteria provided, single submitter. Criteria: Invitae Variant Classification Sherloc (09022015). Collection method: clinical testing. Allele origin: germline.
Comment: This missense change has been observed in individuals with retinoschisis (PMID: 9618178, 20061330; Invitae). This sequence change replaces isoleucine with threonine at codon 136 of the RS1 protein (p.Ile136Thr). The isoleucine residue is highly conserved and there is a moderate physicochemical difference between isoleucine and threonine. This variant is not present in population databases (ExAC no frequency). ClinVar contains an entry for this variant (Variation ID: 98953). Advanced modeling of protein sequence and biophysical properties (such as structural, functional, and spatial information, amino acid conservation, physicochemical variation, residue mobility, and thermodynamic stability) performed at Invitae indicates that this missense variant is expected to disrupt RS1 protein function. For these reasons, this variant has been classified as Pathogenic.

Retina International
No classification provided. Review status: no classification provided. Collection method: not provided. Allele origin: unknown. Not counted in ClinVar's aggregate classification.

Literature cited by the submitters: PubMed 9618178 (cited by Labcorp Genetics (formerly Invitae), Labcorp); PubMed 20061330 (cited by Labcorp Genetics (formerly Invitae), Labcorp).

NM_000330.4(RS1):c.407T>C (p.Ile136Thr)

Genes: CDKL5 (cyclin dependent kinase like 5; plus strand), RS1 (retinoschisin 1; minus strand). Cytogenetic location: Xp22.13.
Variant type: single nucleotide variant.
Coding change: c.407T>C on transcript NM_000330.4 (MANE Select); coding-DNA position 407, T replaced by C.
Protein change: p.Ile136Thr; replaces isoleucine 136 with threonine.
Molecular consequence: missense variant. On other transcripts: intron variant (2).
Genome position (GRCh38, 1-based): chrX:18,644,545, A>G on the plus strand (T>C on the coding strand, the complement: RS1 is on the minus strand). VCF-style: chrX-18644545-A-G. GRCh37 (hg19) VCF-style: chrX-18662665-A-G.
Other names: c.2714-1462A>G (NM_003159.3, NM_001037343.2); short protein forms I136T.
Identifiers: ClinVar variation 98953 (VCV000098953.8), dbSNP rs61752153, ClinGen allele CA226717.